The following is an entry in ClinVar:

ClinVar aggregate classification (germline): Uncertain significance. Review status: criteria provided, multiple submitters, no conflicts (2 of 4 stars). 3 submissions from 3 submitters: Uncertain significance (3). Last evaluated 2025-09-02.

Conditions:
Angelman syndrome (AS). Also called: HAPPY PUPPET SYNDROME. Identifiers: Orphanet 72, MedGen C0162635, MONDO:0007113, OMIM 105830. Disease mechanism: loss of function. Inheritance: AS is caused by disruption of maternally imprinted UBE3A located within the 15q11.2-q13 Angelman syndrome/Prader-Willi syndrome (AS/PWS) region., imprinting disorder.

Allele frequency attached by ClinVar (database versions not stated): gnomAD exomes below 0.00001 and 0.00001; TOPMed below 0.00001; ExAC 0.00001; gnomAD 0.00001.
gnomAD v4.1: 15 of 1,613,784 alleles (0.00093%); highest among the groups gnomAD compares: East Asian, 0.0045%; no homozygotes.

Submissions (3):

Labcorp Genetics (formerly Invitae), Labcorp
Classification: Uncertain significance for Angelman syndrome. Last evaluated: 2025-09-02. Review status: criteria provided, single submitter. Criteria: Invitae Variant Classification Sherloc (09022015). Collection method: clinical testing. Allele origin: germline.
Comment: This sequence change replaces arginine, which is basic and polar, with glutamine, which is neutral and polar, at codon 740 of the UBE3A protein (p.Arg740Gln). This variant is present in population databases (rs761011538, gnomAD 0.003%). This missense change has been observed in individual(s) with clinical features of UBE3A-related conditions (internal data). ClinVar contains an entry for this variant (Variation ID: 934467). An algorithm developed to predict the effect of missense changes on protein structure and function (PolyPhen-2) suggests that this variant is likely to be tolerated. In summary, the available evidence is currently insufficient to determine the role of this variant in disease. Therefore, it has been classified as a Variant of Uncertain Significance.

GeneDx
Classification: Uncertain significance. Last evaluated: 2025-07-29. Review status: criteria provided, single submitter. Criteria: GeneDx Variant Classification Process June 2021. Collection method: clinical testing. Allele origin: germline.
Comment: Not observed at significant frequency in large population cohorts (gnomAD); In silico analysis suggests that this missense variant does not alter protein structure/function; Has not been previously published as pathogenic or benign to our knowledge

Baylor Genetics
Classification: Uncertain significance for Angelman syndrome. Last evaluated: 2023-07-24. Review status: criteria provided, single submitter. Criteria: ACMG Guidelines, 2015. Collection method: clinical testing. Allele origin: unknown.

NM_130839.5(UBE3A):c.2279G>A (p.Arg760Gln)

Genes: SNHG14 (small nucleolar RNA host gene 14; plus strand), UBE3A (ubiquitin protein ligase E3A; minus strand). Cytogenetic location: 15q11.2.
Variant type: single nucleotide variant.
Coding change: c.2279G>A on transcript NM_130839.5 (MANE Select); coding-DNA position 2279, G replaced by A.
Protein change: p.Arg760Gln; replaces arginine 760 with glutamine.
Molecular consequence: missense variant. On other transcripts: non-coding transcript variant (1), intron variant (3).
Genome position (GRCh38, 1-based): chr15:25,354,529, C>T on the plus strand (G>A on the coding strand, the complement: UBE3A is on the minus strand). VCF-style: chr15-25354529-C-T. GRCh37 (hg19) VCF-style: chr15-25599676-C-T.
Other names: c.2288G>A, p.Arg763Gln (NM_000462.5); c.2279G>A, p.Arg760Gln (NM_001354505.1, NM_001354538.2); c.2219G>A, p.Arg740Gln (NM_001354506.2, NM_001354507.2, NM_001354508.2 and 14 more transcripts); c.2102G>A, p.Arg701Gln (NM_001354546.2); c.2054G>A, p.Arg685Gln (NM_001354549.2); c.1028G>A, p.Arg343Gln (NM_001354550.2); c.968G>A, p.Arg323Gln (NM_001354551.2); c.2065-103G>A (NM_001354548.2, NM_001354547.2); and 1 more; short protein forms R323Q, R685Q, R701Q, R763Q, R343Q, R740Q, R760Q.
Identifiers: ClinVar variation 934467 (VCV000934467.10), dbSNP rs761011538, ClinGen allele CA7435413.